The following is an entry in ClinVar:

ClinVar aggregate classification (germline): Pathogenic. Review status: criteria provided, multiple submitters, no conflicts (2 of 4 stars). 2 submissions from 2 submitters: Pathogenic (2). Last evaluated 2025-06-12.

Conditions:
Hereditary cancer-predisposing syndrome. Also called: Tumor predisposition; Neoplastic Syndromes, Hereditary; Hereditary Cancer Syndrome; Hereditary neoplastic syndrome. Identifiers: Orphanet 140162, MedGen C0027672, MeSH D009386, MONDO:0015356.
Ataxia-telangiectasia syndrome (AT). Also called: Ataxia-telangiectasia; LOUIS-BAR SYNDROME; Ataxia-telangiectasia, complementation group D; AT, COMPLEMENTATION GROUP C; ATAXIA-TELANGIECTASIA, COMPLEMENTATION GROUP A; ATAXIA-TELANGIECTASIA, FRESNO VARIANT. Identifiers: Orphanet 100, MedGen C0004135, MONDO:0008840, OMIM 208900.

Submissions (2):

Ambry Genetics
Classification: Pathogenic for Hereditary cancer-predisposing syndrome. Last evaluated: 2025-06-12. Review status: criteria provided, single submitter. Criteria: Ambry Variant Classification Scheme 2023. Collection method: clinical testing. Allele origin: germline.
Comment: The p.Q2972* pathogenic mutation (also known as c.8914C>T), located in coding exon 61 of the ATM gene, results from a C to T substitution at nucleotide position 8914. This changes the amino acid from a glutamine to a stop codon within coding exon 61. This variant is considered to be rare based on population cohorts in the Genome Aggregation Database (gnomAD). This alteration is expected to result in loss of function by premature protein truncation or nonsense-mediated mRNA decay. As such, this alteration is interpreted as a disease-causing mutation.

Labcorp Genetics (formerly Invitae), Labcorp
Classification: Pathogenic for Ataxia-telangiectasia syndrome. Last evaluated: 2023-09-17. Review status: criteria provided, single submitter. Criteria: Invitae Variant Classification Sherloc (09022015). Collection method: clinical testing. Allele origin: germline.
Comment: For these reasons, this variant has been classified as Pathogenic. ClinVar contains an entry for this variant (Variation ID: 1438280). This variant has not been reported in the literature in individuals affected with ATM-related conditions. This variant is not present in population databases (gnomAD no frequency). This sequence change creates a premature translational stop signal (p.Gln2972*) in the ATM gene. It is expected to result in an absent or disrupted protein product. Loss-of-function variants in ATM are known to be pathogenic (PMID: 23807571, 25614872).

Literature cited by the submitters: PubMed 23807571 (cited by Labcorp Genetics (formerly Invitae), Labcorp); PubMed 25614872 (cited by Labcorp Genetics (formerly Invitae), Labcorp).

NM_000051.4(ATM):c.8914C>T (p.Gln2972Ter)

Genes: ATM (ATM serine/threonine kinase; plus strand), C11orf65 (chromosome 11 open reading frame 65; minus strand). Cytogenetic location: 11q22.3.
Variant type: single nucleotide variant.
Coding change: c.8914C>T on transcript NM_000051.4 (MANE Select); coding-DNA position 8914, C replaced by T.
Protein change: p.Gln2972Ter; replaces glutamine 2972 with a stop codon.
Molecular consequence: nonsense. On other transcripts: intron variant (2).
Genome position (GRCh38, 1-based): chr11:108,365,145, C>T. VCF-style: chr11-108365145-C-T. GRCh37 (hg19) VCF-style: chr11-108235872-C-T.
Other names: c.8914C>T, p.Gln2972Ter (NM_001351834.2); c.640+20775G>A (NM_001330368.2); c.694+20775G>A (NM_001351110.2); short protein forms Q2972*.
Identifiers: ClinVar variation 1438280 (VCV001438280.8), dbSNP rs2137878257, ClinGen allele CA382529916.